The following is an entry in ClinVar:

ClinVar aggregate classification (germline): Uncertain significance (1 of 4 stars; one submission).

Submission:

Labcorp Genetics (formerly Invitae), Labcorp
Classification: Uncertain significance. Last evaluated: 2023-08-11. Review status: criteria provided, single submitter. Criteria: Invitae Variant Classification Sherloc (09022015). Collection method: clinical testing. Allele origin: germline.
Comment: This variant is not present in population databases (gnomAD no frequency). This sequence change replaces leucine, which is neutral and non-polar, with phenylalanine, which is neutral and non-polar, at codon 111 of the KL protein (p.Leu111Phe). This variant has not been reported in the literature in individuals affected with KL-related conditions. An algorithm developed to predict the effect of missense changes on protein structure and function (PolyPhen-2) suggests that this variant is likely to be tolerated. In summary, the available evidence is currently insufficient to determine the role of this variant in disease. Therefore, it has been classified as a Variant of Uncertain Significance.

NM_004795.4(KL):c.333G>C (p.Leu111Phe)

Gene: KL (klotho; plus strand). Cytogenetic location: 13q13.1.
Variant type: single nucleotide variant.
Coding change: c.333G>C on transcript NM_004795.4 (MANE Select); coding-DNA position 333, G replaced by C.
Protein change: p.Leu111Phe; replaces leucine 111 with phenylalanine.
Molecular consequence: missense variant.
Genome position (GRCh38, 1-based): chr13:33,016,773, G>C. VCF-style: chr13-33016773-G-C. GRCh37 (hg19) VCF-style: chr13-33590911-G-C.
Other names: short protein forms L111F.
Identifiers: ClinVar variation 2967652 (VCV002967652.3), dbSNP rs979317797, ClinGen allele CA247507367.